The following is an entry in ClinVar:

ClinVar aggregate classification (germline): Uncertain significance (1 of 4 stars; one submission).

Submission:

Labcorp Genetics (formerly Invitae), Labcorp
Classification: Uncertain significance. Last evaluated: 2023-01-04. Review status: criteria provided, single submitter. Criteria: Invitae Variant Classification Sherloc (09022015). Collection method: clinical testing. Allele origin: germline.
Comment: This variant is not present in population databases (gnomAD no frequency). In summary, the available evidence is currently insufficient to determine the role of this variant in disease. Therefore, it has been classified as a Variant of Uncertain Significance. Advanced modeling of protein sequence and biophysical properties (such as structural, functional, and spatial information, amino acid conservation, physicochemical variation, residue mobility, and thermodynamic stability) performed at Invitae indicates that this missense variant is not expected to disrupt RAB3GAP1 protein function. This variant has not been reported in the literature in individuals affected with RAB3GAP1-related conditions. This sequence change replaces methionine, which is neutral and non-polar, with isoleucine, which is neutral and non-polar, at codon 466 of the RAB3GAP1 protein (p.Met466Ile).

NM_012233.3(RAB3GAP1):c.1398G>A (p.Met466Ile)

Gene: RAB3GAP1 (RAB3 GTPase activating protein catalytic subunit 1; plus strand). Cytogenetic location: 2q21.3.
Variant type: single nucleotide variant.
Coding change: c.1398G>A on transcript NM_012233.3 (MANE Select); coding-DNA position 1398, G replaced by A.
Protein change: p.Met466Ile; replaces methionine 466 with isoleucine.
Molecular consequence: missense variant.
Genome position (GRCh38, 1-based): chr2:135,133,932, G>A. VCF-style: chr2-135133932-G-A. GRCh37 (hg19) VCF-style: chr2-135891502-G-A.
Other names: c.1398G>A, p.Met466Ile (NM_001172435.2); short protein forms M466I.
Identifiers: ClinVar variation 2826030 (VCV002826030.3), dbSNP rs1384500930, ClinGen allele CA348575744.
Genomic context (GRCh38, chr2:135,133,932, plus strand): 5'-TCAGTTCAAGTCTGCACCATCTGACAGTTTAACATACAAACTGGCTTTGTGTCTCTGTAT[G>A]ATCAATTTTTACCATGGAGGGTTGAAAGGAGTGGCACACCTCTGGCAGGAATTTGTTCTT-3'
Protein context (NP_036365.1, residues 456-476): LTYKLALCLC[Met466Ile]INFYHGGLKG